The following is an entry in ClinVar:

NM_033026.6(PCLO):c.10780A>G (p.Thr3594Ala)

Gene: PCLO (piccolo presynaptic cytomatrix protein; minus strand). Cytogenetic location: 7q21.11.
Variant type: single nucleotide variant.
Coding change: c.10780A>G on transcript NM_033026.6 (MANE Select); coding-DNA position 10780, A replaced by G.
Protein change: p.Thr3594Ala; replaces threonine 3594 with alanine.
Molecular consequence: missense variant.
Genome position (GRCh38, 1-based): chr7:82,949,808, T>C on the plus strand (A>G on the coding strand, the complement: PCLO is on the minus strand). VCF-style: chr7-82949808-T-C. GRCh37 (hg19) VCF-style: chr7-82579124-T-C.
Other names: c.10780A>G, p.Thr3594Ala (NM_014510.3); short protein forms T3594A.
Identifiers: ClinVar variation 1031531 (VCV001031531.1), dbSNP rs1479830877, ClinGen allele CA367902157.
Genomic context (GRCh38, chr7:82,949,808, plus strand): 5'-GAGCCAGCTGTACTGTGGAATCTGCCCGGAGGTGAGATGAATAACCAATCTCTAAAGGTG[T>C]TGGGCGTTTCTTGTCTTTGGGTGGAGATGTGGCACTCAGATATTGAGGACTTTGTGTGTC-3'
Protein context (NP_149015.2, residues 3584-3604): TSPPKDKKRP[Thr3594Ala]PLEIGYSSHL

ClinVar aggregate classification (germline): Uncertain significance (1 of 4 stars; one submission).

Conditions:
Pontocerebellar hypoplasia type 3 (PCH3). Also called: PCH WITH OPTIC ATROPHY; CEREBELLAR ATROPHY WITH PROGRESSIVE MICROCEPHALY. Identifiers: Orphanet 97249, MedGen C1842687, MONDO:0011948, OMIM 608027.

Allele frequency attached by ClinVar (database versions not stated): gnomAD exomes below 0.00001; gnomAD 0.00001; TOPMed 0.00001.
gnomAD v4.1: 8 of 1,613,710 alleles (0.0005%); highest among the groups gnomAD compares: East Asian, 0.0089%; no homozygotes.

Submission:

Baylor Genetics
Classification: Uncertain significance for Pontocerebellar hypoplasia type 3. Last evaluated: 2018-09-28. Review status: criteria provided, single submitter. Criteria: ACMG Guidelines, 2015. Collection method: clinical testing. Allele origin: unknown. Affected: yes.
Comment: This variant was determined to be of uncertain significance according to ACMG Guidelines, 2015 [PMID:25741868].